The following is an entry in ClinVar:

NM_001267550.2(TTN):c.104180G>A (p.Arg34727Lys)

Genes: TTN-AS1 (TTN antisense RNA 1; plus strand), TTN (titin; minus strand). Cytogenetic location: 2q31.2.
Variant type: single nucleotide variant.
Coding change: c.104180G>A on transcript NM_001267550.2 (MANE Select); coding-DNA position 104180, G replaced by A.
Protein change: p.Arg34727Lys; replaces arginine 34727 with lysine.
Molecular consequence: missense variant.
Genome position (GRCh38, 1-based): chr2:178,532,435, C>T on the plus strand (G>A on the coding strand, the complement: TTN is on the minus strand). VCF-style: chr2-178532435-C-T. GRCh37 (hg19) VCF-style: chr2-179397162-C-T.
Other names: c.99257G>A, p.Arg33086Lys (NM_001256850.1); c.76985G>A, p.Arg25662Lys (NM_003319.4); c.96476G>A, p.Arg32159Lys (NM_133378.4); c.77360G>A, p.Arg25787Lys (NM_133432.3); c.77561G>A, p.Arg25854Lys (NM_133437.4); short protein forms R25662K, R25787K, R25854K, R32159K, R33086K, R34727K.
Identifiers: ClinVar variation 3760208 (VCV003760208.2).
Genomic context (GRCh38, chr2:178,532,435, plus strand): 5'-CTCAGTTCTGCATAACTTGTACTAGCTTCAGCCTTCGTTGGGATGTGATAGGTTGAATAC[C>T]TGAAGTCTTTTCTTGTTTCCTCCACCTTGACATGAGCTTGTGGTGAAGAGTAACGTAGGC-3'
Protein context (NP_001254479.2, residues 34717-34737): VKVEETRKDF[Arg34727Lys]YSTYHIPTKA

ClinVar aggregate classification (germline): Uncertain significance (1 of 4 stars; one submission).

Conditions:
Dilated cardiomyopathy 1G (CMD1G). Identifiers: Orphanet 154, MedGen C1858763, MONDO:0011400, OMIM 604145.
Autosomal recessive limb-girdle muscular dystrophy type 2J (LGMDR10). Also called: Limb-girdle muscular dystrophy, type 2J; MUSCULAR DYSTROPHY, LIMB-GIRDLE, AUTOSOMAL RECESSIVE 10. Identifiers: Orphanet 140922, MedGen C1837342, MONDO:0012127, OMIM 608807.

Submission:

Labcorp Genetics (formerly Invitae), Labcorp
Classification: Uncertain significance for Dilated cardiomyopathy 1G; Autosomal recessive limb-girdle muscular dystrophy type 2J. Last evaluated: 2025-01-07. Review status: criteria provided, single submitter. Criteria: Invitae Variant Classification Sherloc (09022015). Collection method: clinical testing. Allele origin: germline.
Comment: This sequence change replaces arginine, which is basic and polar, with lysine, which is basic and polar, at codon 34727 of the TTN protein (p.Arg34727Lys). This variant is not present in population databases (gnomAD no frequency). This variant has not been reported in the literature in individuals affected with TTN-related conditions. Experimental studies and prediction algorithms are not available or were not evaluated, and the functional significance of this variant is currently unknown. In summary, the available evidence is currently insufficient to determine the role of this variant in disease. Therefore, it has been classified as a Variant of Uncertain Significance.